The following is an entry in ClinVar:

NC_000001.10:g.(?_160323012)_(160326377_?)del

Gene: NCSTN (nicastrin; plus strand). Cytogenetic location: 1q23.2.
Variant type: Deletion.
Identifiers: ClinVar variation 3247993 (VCV003247993.1).

ClinVar aggregate classification (germline): Likely pathogenic (1 of 4 stars; one submission).

Submission:

Labcorp Genetics (formerly Invitae), Labcorp
Classification: Likely pathogenic. Last evaluated: 2018-04-24. Review status: criteria provided, single submitter. Criteria: Invitae Variant Classification Sherloc (09022015). Collection method: clinical testing. Allele origin: unknown.
Comment: Loss-of-function variants in NCSTN are known to be pathogenic (PMID: 20929727, 21430701, 22358060). In summary, the currently available evidence indicates that the variant is pathogenic, but additional data are needed to prove that conclusively. Therefore, this variant has been classified as Likely Pathogenic. This variant has not been reported in the literature in individuals with NCSTN-related disease. This variant is a gross deletion of the genomic region encompassing exons 11-14 and part of exon 10 (c.1164_1640-13del) of the NCSTN gene. It is expected to disrupt RNA splicing and likely results in an absent or disrupted protein product.

Literature cited by the submitters: PubMed 20929727; PubMed 21430701; PubMed 22358060.